The following is an entry in ClinVar:

NM_022437.3(ABCG8):c.1695C>T (p.Ala565=)

Gene: ABCG8 (ATP binding cassette subfamily G member 8; plus strand). Cytogenetic location: 2p21.
Variant type: single nucleotide variant.
Coding change: c.1695C>T on transcript NM_022437.3 (MANE Select); coding-DNA position 1695, C replaced by T.
Protein change: p.Ala565=; no amino-acid change (alanine 565 retained).
Molecular consequence: synonymous variant.
Genome position (GRCh38, 1-based): chr2:43,875,352, C>T. VCF-style: chr2-43875352-C-T. GRCh37 (hg19) VCF-style: chr2-44102491-C-T.
Other names: p.Ala565=; c.1692C>T, p.Ala564= (NM_001357321.2).
Identifiers: ClinVar variation 336087 (VCV000336087.30), dbSNP rs4148221, ClinGen allele CA1637592.

ClinVar aggregate classification (germline): Benign/Likely benign. Review status: criteria provided, multiple submitters, no conflicts (2 of 4 stars). 13 submissions from 13 submitters: Benign (9); Likely benign (1). 3 of the submissions do not count toward it. Last evaluated 2026-02-04.

Conditions:
Sitosterolemia 1. Identifiers: MedGen C2749759, MONDO:0020747, OMIM 210250.
Cardiovascular phenotype. Identifiers: MedGen CN230736.

Allele frequency attached by ClinVar (database versions not stated): 1000 Genomes Project 0.12760; 1000 Genomes Project 30x 0.12992; ExAC 0.14886; gnomAD exomes 0.16164; TOPMed 0.16200; gnomAD 0.16252 and 0.16563; ESP Exome Variant Server 0.17307.
gnomAD v4.1: 261,132 of 1,613,962 alleles (16%); highest among the groups gnomAD compares: Non-Finnish European, 17%; 22,135 homozygotes.

Submissions (13):

Labcorp Genetics (formerly Invitae), Labcorp
Classification: Benign. Last evaluated: 2026-02-04. Review status: criteria provided, single submitter. Criteria: Invitae Variant Classification Sherloc (09022015). Collection method: clinical testing. Allele origin: germline.

Molecular Diagnostic Laboratory for Inherited Cardiovascular Disease, Montreal Heart Institute
Classification: Benign. Last evaluated: 2025-04-09. Review status: criteria provided, single submitter. Criteria: ACMG Guidelines, 2015. Collection method: clinical testing. Allele origin: germline. Affected: no.

Blueprint Genetics
Classification: Likely benign. Last evaluated: 2024-11-26. Review status: criteria provided, single submitter. Criteria: ACMG Guidelines, 2015. Collection method: clinical testing. Allele origin: germline.

Women's Health and Genetics/Laboratory Corporation of America, LabCorp
Classification: Benign. Last evaluated: 2023-04-04. Review status: criteria provided, single submitter. Criteria: LabCorp Variant Classification Summary - May 2015. Collection method: clinical testing. Allele origin: germline.

Mayo Clinic Laboratories, Mayo Clinic
Classification: Benign. Last evaluated: 2022-09-29. Review status: criteria provided, single submitter. Criteria: ACMG Guidelines, 2015. Collection method: clinical testing. Allele origin: germline. Observed: 634 variant alleles.

Genome-Nilou Lab
Classification: Benign for Sitosterolemia 1. Last evaluated: 2021-07-14. Review status: criteria provided, single submitter. Criteria: ACMG Guidelines, 2015. Collection method: clinical testing. Allele origin: germline. Affected: no.

Ambry Genetics
Classification: Benign for Cardiovascular phenotype. Last evaluated: 2018-12-11. Review status: criteria provided, single submitter. Criteria: Ambry Variant Classification Scheme 2023. Collection method: clinical testing. Allele origin: germline.

GeneDx
Classification: Benign. Last evaluated: 2018-07-05. Review status: criteria provided, single submitter. Criteria: GeneDx Variant Classification Process June 2021. Collection method: clinical testing. Allele origin: germline. Affected: yes.

Illumina Laboratory Services, Illumina
Classification: Benign for Sitosterolemia 1. Last evaluated: 2018-01-13. Review status: criteria provided, single submitter. Criteria: ICSL Variant Classification Criteria 13 December 2019. Collection method: clinical testing. Allele origin: germline.
Comment: This variant was observed in the ICSL laboratory as part of a predisposition screen in an ostensibly healthy population. It had not been previously curated by ICSL or reported in the Human Gene Mutation Database (HGMD: prior to June 1st, 2018), and was therefore a candidate for classification through an automated scoring system. Utilizing variant allele frequency, disease prevalence and penetrance estimates, and inheritance mode, an automated score was calculated to assess if this variant is too frequent to cause the disease. Based on the score and internal cut-off values, a variant classified as benign is not then subjected to further curation. The score for this variant resulted in a classification of benign for this disease.

Breakthrough Genomics
Classification: Benign. Review status: criteria provided, single submitter. Criteria: ACMG Guidelines, 2015. Collection method: not provided. Allele origin: germline. Inheritance: Autosomal recessive inheritance. Affected: yes.

Clinical Genetics, Academic Medical Center
Classification: Benign. Review status: no assertion criteria provided. Collection method: clinical testing. Allele origin: germline. Affected: yes. Study: VKGL Data-share Consensus. Not counted in ClinVar's aggregate classification.

Diagnostic Laboratory, Department of Genetics, University Medical Center Groningen
Classification: Benign. Review status: no assertion criteria provided. Collection method: clinical testing. Allele origin: germline. Affected: yes. Study: VKGL Data-share Consensus. Not counted in ClinVar's aggregate classification.

Joint Genome Diagnostic Labs from Nijmegen and Maastricht, Radboudumc and MUMC+
Classification: Benign. Review status: no assertion criteria provided. Collection method: clinical testing. Allele origin: germline. Affected: yes. Study: VKGL Data-share Consensus. Not counted in ClinVar's aggregate classification.